The following is an entry in ClinVar:

ClinVar aggregate classification (germline): Uncertain significance. Review status: criteria provided, multiple submitters, no conflicts (2 of 4 stars). 2 submissions from 2 submitters: Uncertain significance (2). Last evaluated 2026-01-26.

Conditions:
Anauxetic dysplasia. Identifiers: Orphanet 93347, MedGen C1846796, MONDO:0011773.

Submissions (2):

Women's Health and Genetics/Laboratory Corporation of America, LabCorp
Classification: Uncertain significance. Last evaluated: 2026-01-26. Review status: criteria provided, single submitter. Criteria: LabCorp Variant Classification Summary - May 2015. Collection method: clinical testing. Allele origin: germline.
Comment: Variant summary: RMRP n.-58_-57delinsGC (also known as NC_000009.11: chr9:g.35658072_35658073delinsGC) is located in the untranscribed region upstream of the RMRP gene region. The variant allele was found at a frequency of 0.00016 in 31386 control chromosomes. The available data on variant occurrences in the general population are insufficient to allow any conclusion about variant significance. To our knowledge, no occurrence of n.-58_-57delinsGC in individuals affected with RMRP-related conditions and no experimental evidence demonstrating its impact on protein function have been reported. ClinVar contains an entry for this variant (Variation ID: 644867). Based on the evidence outlined above, the variant was classified as uncertain significance.

Labcorp Genetics (formerly Invitae), Labcorp
Classification: Uncertain significance for Anauxetic dysplasia. Last evaluated: 2022-10-13. Review status: criteria provided, single submitter. Criteria: Invitae Variant Classification Sherloc (09022015). Collection method: clinical testing. Allele origin: germline.
Comment: This variant occurs in the RMRP gene, which encodes an RNA molecule that does not result in a protein product. Information on the frequency of this variant in the gnomAD database is not available, as this variant may be reported differently in the database. This variant has not been reported in the literature in individuals affected with RMRP-related conditions. ClinVar contains an entry for this variant (Variation ID: 644867). Experimental studies and prediction algorithms are not available or were not evaluated, and the functional significance of this variant is currently unknown. In summary, the available evidence is currently insufficient to determine the role of this variant in disease. Therefore, it has been classified as a Variant of Uncertain Significance.

NC_000009.12:g.35658075_35658076delinsGC

Gene: RMRP (RNA component of mitochondrial RNA processing endoribonuclease; minus strand). Cytogenetic location: 9p13.3.
Variant type: Indel.
Genome position: GRCh38 VCF-style: chr9-35658075-AT-GC. GRCh37 (hg19) VCF-style: chr9-35658072-AT-GC.
Identifiers: ClinVar variation 644867 (VCV000644867.5), dbSNP rs1587919975, ClinGen allele CA915947449.